The following is an entry in ClinVar:

NM_014874.4(MFN2):c.541G>A (p.Val181Met)

Gene: MFN2 (mitofusin 2; plus strand). Cytogenetic location: 1p36.22.
Variant type: single nucleotide variant.
Coding change: c.541G>A on transcript NM_014874.4 (MANE Select); coding-DNA position 541, G replaced by A.
Protein change: p.Val181Met; replaces valine 181 with methionine.
Molecular consequence: missense variant.
Genome position (GRCh38, 1-based): chr1:11,997,363, G>A. VCF-style: chr1-11997363-G-A. GRCh37 (hg19) VCF-style: chr1-12057420-G-A.
Other names: p.V181M:GTG>ATG; c.541G>A, p.Val181Met (NM_001127660.2); short protein forms V181M.
Identifiers: ClinVar variation 214640 (VCV000214640.11), dbSNP rs863224064, ClinGen allele CA323623.
Genomic context (GRCh38, chr1:11,997,363, plus strand): 5'-AACCAGCTGGCCCATGCCCTCCACCAGGACAAGCAGCTCCATGCCGGCAGCCTAGTGAGT[G>A]TGATGTGGCCCAACTCTAAGTGCCCACTTCTGAAGGATGACCTCGTTTTGATGGACAGGT-3'
Protein context (NP_055689.1, residues 171-191): KQLHAGSLVS[Val181Met]MWPNSKCPLL

ClinVar aggregate classification (germline): Conflicting classifications of pathogenicity. Review status: criteria provided, conflicting classifications (1 of 4 stars). 3 submissions from 3 submitters: Likely pathogenic (1); Uncertain significance (2). Last evaluated 2025-05-24.

Conditions:
Charcot-Marie-Tooth disease type 2. Also called: Charcot-Marie-Tooth type 2. Identifiers: Orphanet 64746, MedGen C0270914, MONDO:0018993.
Retinal dystrophy. Also called: Inherited retinal dystrophy. Identifiers: Orphanet 71862, MedGen C0854723, MeSH D058499, MONDO:0019118, HP:0000556.

Allele frequency attached by ClinVar (database versions not stated): gnomAD exomes below 0.00001 and 0.00001; gnomAD 0.00001; TOPMed 0.00001.
gnomAD v4.1: 14 of 1,614,084 alleles (0.00087%); highest among the groups gnomAD compares: Non-Finnish European, 0.0012%; no homozygotes.

Submissions (3):

Labcorp Genetics (formerly Invitae), Labcorp
Classification: Uncertain significance for Charcot-Marie-Tooth disease type 2. Last evaluated: 2025-05-24. Review status: criteria provided, single submitter. Criteria: Invitae Variant Classification Sherloc (09022015). Collection method: clinical testing. Allele origin: germline.
Comment: This sequence change replaces valine, which is neutral and non-polar, with methionine, which is neutral and non-polar, at codon 181 of the MFN2 protein (p.Val181Met). This variant is present in population databases (no rsID available, gnomAD 0.0009%). This variant has not been reported in the literature in individuals affected with MFN2-related conditions. ClinVar contains an entry for this variant (Variation ID: 214640). Invitae Evidence Modeling of protein sequence and biophysical properties (such as structural, functional, and spatial information, amino acid conservation, physicochemical variation, residue mobility, and thermodynamic stability) has been performed for this missense variant. However, the output from this modeling did not meet the statistical confidence thresholds required to predict the impact of this variant on MFN2 protein function. In summary, the available evidence is currently insufficient to determine the role of this variant in disease. Therefore, it has been classified as a Variant of Uncertain Significance.

Institute of Human Genetics, Univ. Regensburg, Univ. Regensburg
Classification: Uncertain significance for Retinal dystrophy. Last evaluated: 2023-01-01. Review status: criteria provided, single submitter. Criteria: ACMG Guidelines, 2015. Collection method: clinical testing. Allele origin: germline. Affected: yes.

GeneDx
Classification: Likely pathogenic. Last evaluated: 2013-12-09. Review status: criteria provided, single submitter. Criteria: GeneDx Variant Classification (06012015). Collection method: clinical testing. Allele origin: germline. Affected: yes.
Comment: p.Val181Met (GTG>ATG): c.541 G>A. The V181M missense change has not been published as a mutation, nor has it been reported as a benign polymorphism to our knowledge. The V181M variant is a semi-conservative amino acid substitution as these residues share similar properties, but differ in size, charge, or other properties which may impact secondary structure. This substitution occurs at a position in the MFN2 protein that is highly conserved in mammals. In-silico analyses predict that V181M is damaging to the MFN2 protein. Therefore, V181M is interpreted to be a strong candidate for a disease-causing mutation. The variant is found in MITONUC-MITOP panel(s).

Literature cited by the submitters: PubMed 31589614 (cited by Institute of Human Genetics, Univ. Regensburg, Univ. Regensburg).